The following is an entry in ClinVar:

ClinVar aggregate classification (germline): Uncertain significance. Review status: criteria provided, multiple submitters, no conflicts (2 of 4 stars). 3 submissions from 3 submitters: Uncertain significance (2). 1 of the submissions does not count toward it. Last evaluated 2022-09-02.

Conditions:
Primary ciliary dyskinesia. Also called: Ciliary dyskinesia. Identifiers: Orphanet 244, MedGen C0008780, MONDO:0016575, HP:0012265.

Allele frequency attached by ClinVar (database versions not stated): TOPMed below 0.00001; gnomAD 0.00001.
gnomAD v4.1: 1 of 1,611,578 alleles (0.000062%); highest among the groups gnomAD compares: Admixed American, 0.0017%; no homozygotes.

Submissions (3):

GeneDx
Classification: Uncertain significance. Last evaluated: 2022-09-02. Review status: criteria provided, single submitter. Criteria: GeneDx Variant Classification Process June 2021. Collection method: clinical testing. Allele origin: germline. Affected: yes.
Comment: Not observed at significant frequency in large population cohorts (gnomAD); In silico analysis supports that this missense variant has a deleterious effect on protein structure/function; Has not been previously published as pathogenic or benign to our knowledge

Labcorp Genetics (formerly Invitae), Labcorp
Classification: Uncertain significance for Primary ciliary dyskinesia. Last evaluated: 2018-02-08. Review status: criteria provided, single submitter. Criteria: Invitae Variant Classification Sherloc (09022015). Collection method: clinical testing. Allele origin: germline.
Comment: In summary, the available evidence is currently insufficient to determine the role of this variant in disease. Therefore, it has been classified as a Variant of Uncertain Significance. Algorithms developed to predict the effect of missense changes on protein structure and function do not agree on the potential impact of this missense change (SIFT: "Deleterious"; PolyPhen-2: "Possibly Damaging"; Align-GVGD: "Class C0"). This variant has not been reported in the literature in individuals with DNAH5-related disease. This variant is not present in population databases (ExAC no frequency). This sequence change replaces proline with alanine at codon 1826 of the DNAH5 protein (p.Pro1826Ala). The proline residue is highly conserved and there is a small physicochemical difference between proline and alanine.

Natera, Inc.
Classification: Uncertain significance for Primary ciliary dyskinesia. Last evaluated: 2020-09-16. Review status: no assertion criteria provided. Collection method: clinical testing. Allele origin: germline. Not counted in ClinVar's aggregate classification.

NM_001369.3(DNAH5):c.5476C>G (p.Pro1826Ala)

Gene: DNAH5 (dynein axonemal heavy chain 5; minus strand). Cytogenetic location: 5p15.2.
Variant type: single nucleotide variant.
Coding change: c.5476C>G on transcript NM_001369.3 (MANE Select); coding-DNA position 5476, C replaced by G.
Protein change: p.Pro1826Ala; replaces proline 1826 with alanine.
Molecular consequence: missense variant.
Genome position (GRCh38, 1-based): chr5:13,841,700, G>C on the plus strand (C>G on the coding strand, the complement: DNAH5 is on the minus strand). VCF-style: chr5-13841700-G-C. GRCh37 (hg19) VCF-style: chr5-13841809-G-C.
Other names: short protein forms P1826A.
Identifiers: ClinVar variation 581118 (VCV000581118.11), dbSNP rs928564123, ClinGen allele CA113947590.
Genomic context (GRCh38, chr5:13,841,700, plus strand): 5'-GACTTAAAATGACTATTTTACAAAACATACTTTCAAATTTCAATACACTGACCTGAGCAG[G>C]GAAGGATGAAAGAAATTCAGTTAGTTGGAAACCTGTTTCTTGAATATTTGCGGCTGCCTG-3'
Protein context (NP_001360.1, residues 1816-1836): FQLTEFLSSF[Pro1826Ala]AQVGLLGIQM